The following is an entry in ClinVar:

NM_015102.5(NPHP4):c.12G>A (p.Trp4Ter)

Gene: NPHP4 (nephrocystin 4; minus strand). Cytogenetic location: 1p36.31.
Variant type: single nucleotide variant.
Coding change: c.12G>A on transcript NM_015102.5 (MANE Select); coding-DNA position 12, G replaced by A.
Protein change: p.Trp4Ter; replaces tryptophan 4 with a stop codon.
Molecular consequence: nonsense. On other transcripts: 5 prime UTR variant (1), non-coding transcript variant (1), intron variant (1).
Genome position (GRCh38, 1-based): chr1:5,986,278, C>T on the plus strand (G>A on the coding strand, the complement: NPHP4 is on the minus strand). VCF-style: chr1-5986278-C-T. GRCh37 (hg19) VCF-style: chr1-6046338-C-T.
Other names: c.-1218G>A (NM_001291593.2); c.-1088+5966G>A (NM_001291594.2); short protein forms W4*.
Identifiers: ClinVar variation 931168 (VCV000931168.14), dbSNP rs780905861, ClinGen allele CA554964.
Genomic context (GRCh38, chr1:5,986,278, plus strand): 5'-AGGCTGGCGCGCTCTCTGTGGGTGGGGAGGGACAAGCACGTTTTGGGTGAAGATCCTGTG[C>T]CAGTCGTTCATCCTGCCCGCCTGAGGGTCCCGTGGGCTTCCCGGATGATCTGTGCCAGTC-3'

ClinVar aggregate classification (germline): Pathogenic/Likely pathogenic. Review status: criteria provided, multiple submitters, no conflicts (2 of 4 stars). 6 submissions from 6 submitters: Pathogenic (3); Likely pathogenic (3). Last evaluated 2026-05-12.

Conditions:
NPHP4-related disorder. Also called: NPHP4-related disorders; NPHP4-related condition. Identifiers: MedGen CN239384.
Nephronophthisis 4 (NPHP4). Also called: NEPHRONOPHTHISIS 4, JUVENILE. Identifiers: Orphanet 655, MedGen C1847013, MONDO:0011752, OMIM 606966.
Senior-Loken syndrome 4 (SLSN4). Identifiers: Orphanet 3156, MedGen C1846979, MONDO:0011756, OMIM 606996.
Kidney disorder. Also called: Nephropathy; Kidney disease; Kidney Diseases; renal disorder; renal disease. Identifiers: MedGen C0022658, MONDO:0005240, HP:0000112.
Nephronophthisis. Also called: Juvenile Nephronophthisis. Identifiers: Orphanet 655, MedGen C0687120, MONDO:0019005, HP:0000090.

Allele frequency attached by ClinVar (database versions not stated): gnomAD below 0.00001 and 0.00001; gnomAD exomes 0.00003; ExAC 0.00004.
gnomAD v4.1: 23 of 1,613,548 alleles (0.0014%); highest among the groups gnomAD compares: South Asian, 0.021%; no homozygotes.

Submissions (6):

PreventionGenetics, part of Exact Sciences
Classification: Likely pathogenic for NPHP4-related condition. Last evaluated: 2026-05-12. Review status: criteria provided, single submitter. Criteria: ACMG Guidelines, 2015. Collection method: clinical testing. Allele origin: germline.
Comment: The NPHP4 c.12G>A variant is predicted to result in premature protein termination (p.Trp4*). This variant has not been reported in the literature in individuals with NPHP4-related disorders. This variant is reported in 0.023% of alleles in individuals of South Asian descent in gnomAD. Nonsense variants in NPHP4 are expected to be pathogenic. This variant is interpreted as likely pathogenic.

Blueprint Genetics
Classification: Likely pathogenic for NPHP4-related disorders. Last evaluated: 2023-09-05. Review status: criteria provided, single submitter. Criteria: ACMG Guidelines, 2015. Collection method: clinical testing. Allele origin: germline. Affected: yes. Observed: 5 variant alleles.

Laboratory of Medical Genetics, National & Kapodistrian University of Athens
Classification: Pathogenic for Nephronophthisis 4. Last evaluated: 2023-07-27. Review status: criteria provided, single submitter. Criteria: ACMG Guidelines, 2015. Collection method: clinical testing. Allele origin: germline. Affected: yes.
Comment: PVS1, PM2, PP4, PP5 - ClinVar contains an entry for this variant (Variation ID: 931168). Loss-of-function variants in NPHP4 are known to be pathogenic (PMID: 12205563). Low frequency in gnomAD population databases.

Labcorp Genetics (formerly Invitae), Labcorp
Classification: Pathogenic for Nephronophthisis. Last evaluated: 2022-03-11. Review status: criteria provided, single submitter. Criteria: Invitae Variant Classification Sherloc (09022015). Collection method: clinical testing. Allele origin: germline.
Comment: For these reasons, this variant has been classified as Pathogenic. ClinVar contains an entry for this variant (Variation ID: 931168). This variant has not been reported in the literature in individuals affected with NPHP4-related conditions. This variant is present in population databases (rs780905861, gnomAD 0.02%). This sequence change creates a premature translational stop signal (p.Trp4*) in the NPHP4 gene. It is expected to result in an absent or disrupted protein product. Loss-of-function variants in NPHP4 are known to be pathogenic (PMID: 12205563, 23559409).

Genome Diagnostics Laboratory, The Hospital for Sick Children
Classification: Likely pathogenic for Kidney disorder. Last evaluated: 2020-08-04. Review status: criteria provided, single submitter. Criteria: ACMG Guidelines, 2015. Collection method: clinical testing. Allele origin: germline.

Centre for Mendelian Genomics, University Medical Centre Ljubljana
Classification: Pathogenic for Senior-Loken syndrome 4. Last evaluated: 2019-09-23. Review status: criteria provided, single submitter. Criteria: ACMG Guidelines, 2015. Collection method: clinical testing. Allele origin: unknown. Affected: yes.
Comment: This variant was classified as: Pathogenic. The following ACMG criteria were applied in classifying this variant: PVS1,PS1.

Literature cited by the submitters: PubMed 12205563 (cited by Labcorp Genetics (formerly Invitae), Labcorp); PubMed 23559409 (cited by Labcorp Genetics (formerly Invitae), Labcorp).